The following is an entry in ClinVar:

ClinVar aggregate classification (germline): Uncertain significance (1 of 4 stars; one submission).

gnomAD v4.1: 21 of 1,524,046 alleles (0.0014%); highest among the groups gnomAD compares: South Asian, 0.01%; no homozygotes.

Submission:

Labcorp Genetics (formerly Invitae), Labcorp
Classification: Uncertain significance. Last evaluated: 2026-01-27. Review status: criteria provided, single submitter. Criteria: Invitae Variant Classification Sherloc (09022015). Collection method: clinical testing. Allele origin: germline.
Comment: This sequence change replaces glutamic acid, which is acidic and polar, with lysine, which is basic and polar, at codon 1493 of the LAMA5 protein (p.Glu1493Lys). The frequency data for this variant in the population databases is considered unreliable, as metrics indicate poor data quality at this position in the gnomAD database. This variant has not been reported in the literature in individuals affected with LAMA5-related conditions. An algorithm developed to predict the effect of missense changes on protein structure and function (PolyPhen-2) suggests that this variant is likely to be tolerated. In summary, the available evidence is currently insufficient to determine the role of this variant in disease. Therefore, it has been classified as a Variant of Uncertain Significance.

NM_005560.6(LAMA5):c.4477G>A (p.Glu1493Lys)

Gene: LAMA5 (laminin subunit alpha 5; minus strand). Cytogenetic location: 20q13.33.
Variant type: single nucleotide variant.
Coding change: c.4477G>A on transcript NM_005560.6 (MANE Select); coding-DNA position 4477, G replaced by A.
Protein change: p.Glu1493Lys; replaces glutamic acid 1493 with lysine.
Molecular consequence: missense variant.
Genome position (GRCh38, 1-based): chr20:62,328,416, C>T on the plus strand (G>A on the coding strand, the complement: LAMA5 is on the minus strand). VCF-style: chr20-62328416-C-T. GRCh37 (hg19) VCF-style: chr20-60903472-C-T.
Other names: short protein forms E1493K.
Identifiers: ClinVar variation 4703502 (VCV004703502.1).